The following is an entry in ClinVar:

NM_176787.5(PIGN):c.601G>T (p.Glu201Ter)

Gene: PIGN (phosphatidylinositol glycan anchor biosynthesis class N; minus strand). Cytogenetic location: 18q21.33.
Variant type: single nucleotide variant.
Coding change: c.601G>T on transcript NM_176787.5 (MANE Select); coding-DNA position 601, G replaced by T.
Protein change: p.Glu201Ter; replaces glutamic acid 201 with a stop codon.
Molecular consequence: nonsense.
Genome position (GRCh38, 1-based): chr18:62,148,287, C>A on the plus strand (G>T on the coding strand, the complement: PIGN is on the minus strand). VCF-style: chr18-62148287-C-A. GRCh37 (hg19) VCF-style: chr18-59815520-C-A.
Other names: c.601G>T, p.Glu201Ter (NM_012327.6); short protein forms E201*.
Identifiers: ClinVar variation 3655320 (VCV003655320.2).

ClinVar aggregate classification (germline): Pathogenic (1 of 4 stars; one submission).

Conditions:
Multiple congenital anomalies-hypotonia-seizures syndrome 1 (MCAHS1). Also called: PIGN-CDG; Congenital disorder of glycosylation due to PIGN deficiency; GLYCOSYLPHOSPHATIDYLINOSITOL BIOSYNTHESIS DEFECT 3. Identifiers: Orphanet 280633, MedGen C3279775, MONDO:0013563, OMIM 614080.

Submission:

Labcorp Genetics (formerly Invitae), Labcorp
Classification: Pathogenic for Multiple congenital anomalies-hypotonia-seizures syndrome 1. Last evaluated: 2024-06-03. Review status: criteria provided, single submitter. Criteria: Invitae Variant Classification Sherloc (09022015). Collection method: clinical testing. Allele origin: germline.
Comment: This sequence change creates a premature translational stop signal (p.Glu201*) in the PIGN gene. It is expected to result in an absent or disrupted protein product. Loss-of-function variants in PIGN are known to be pathogenic (PMID: 24253414, 27038415). This variant is not present in population databases (gnomAD no frequency). This variant has not been reported in the literature in individuals affected with PIGN-related conditions. Algorithms developed to predict the effect of sequence changes on RNA splicing suggest that this variant may disrupt the consensus splice site. For these reasons, this variant has been classified as Pathogenic.

Literature cited by the submitters: PubMed 24253414; PubMed 27038415.